The following is an entry in ClinVar:

NM_000211.5(ITGB2):c.576dup (p.Asn193fs)

Gene: ITGB2 (integrin subunit beta 2; minus strand). Cytogenetic location: 21q22.3.
Variant type: Duplication.
Coding change: c.576dup on transcript NM_000211.5 (MANE Select); coding-DNA position 576, one base duplicated (C; older notation c.576dupC).
Protein change: p.Asn193fs; shifts the reading frame from asparagine 193.
Molecular consequence: frameshift variant.
Genome position (GRCh38, 1-based): chr21:44,901,657, G duplicated on the plus strand (C on the coding strand, the reverse complement: ITGB2 is on the minus strand); the first of 4 consecutive G bases (chr21:44,901,657-44,901,660); duplicating any one gives the same sequence. VCF-style (leftmost placement, unchanged base first): chr21-44901656-T-TG. GRCh37 (hg19) VCF-style: chr21-46321571-T-TG.
Other names: N193QfsX72; c.576dup (LRG_76t1); c.576dup, p.Asn193fs (NM_001127491.3); c.369dup, p.Asn124fs (NM_001303238.2); short protein forms N124fs, N193fs.
Identifiers: ClinVar variation 100757 (VCV000100757.4), dbSNP rs483352813, ClinGen allele CA249773.
Genomic context (GRCh38, chr21:44,901,656, plus strand): 5'-TGTTGGTCAGCTTCAGCACGTGCCTGAAGGCAAACGGGGGCTGGCACTCTTTCTCCTTGT[T>TG]GGGGCATGGGTTTCGCAGCTTATCAGGGTGCGTGTTCACGAACGGCAGCACGGTCTTGTC-3'

ClinVar aggregate classification (germline): Pathogenic (0 of 4 stars; one submission).

Conditions:
Leukocyte adhesion deficiency 1 (LAD1). Also called: LEUKOCYTE ADHESION DEFICIENCY, TYPE I; LAD 1; Lymphocyte function-associated antigen 1 immunodeficiency; LFA 1 immunodeficiency. Identifiers: Orphanet 2968, Orphanet 99842, MedGen C0398738, MONDO:0007293, OMIM 116920.

Submission:

Genomic Research Center, Shahid Beheshti University of Medical Sciences
Classification: Pathogenic for Leukocyte adhesion deficiency type 1. Review status: no assertion criteria provided. Collection method: not provided. Allele origin: inherited. Study: Mutation spectra of the ITGB2 gene in Iranian families with leukocyte adhesion deficiency type 1.
ClinVar note: Converted during submission from pathogenic to Pathogenic.